The following is an entry in ClinVar:

ClinVar aggregate classification (germline): Benign (1 of 4 stars; one submission).

Conditions:
Loeys-Dietz syndrome 4 (LDS4). Also called: ANEURYSM, AORTIC AND CEREBRAL, WITH ARTERIAL TORTUOSITY AND SKELETAL MANIFESTATIONS; TGFB2-Related Loeys-Dietz Syndrome. Identifiers: MedGen C3553762, MONDO:0013897, OMIM 614816.

Allele frequency attached by ClinVar (database versions not stated): 1000 Genomes Project 30x 0.00390; 1000 Genomes Project 0.00399; gnomAD 0.00451 and 0.00490; TOPMed 0.00504.

Submission:

Illumina Laboratory Services, Illumina
Classification: Benign for Loeys-Dietz syndrome 4. Last evaluated: 2018-01-12. Review status: criteria provided, single submitter. Criteria: ICSL Variant Classification Criteria 13 December 2019. Collection method: clinical testing. Allele origin: germline.
Comment: This variant was observed in the ICSL laboratory as part of a predisposition screen in an ostensibly healthy population. It had not been previously curated by ICSL or reported in the Human Gene Mutation Database (HGMD: prior to June 1st, 2018), and was therefore a candidate for classification through an automated scoring system. Utilizing variant allele frequency, disease prevalence and penetrance estimates, and inheritance mode, an automated score was calculated to assess if this variant is too frequent to cause the disease. Based on the score and internal cut-off values, a variant classified as benign is not then subjected to further curation. The score for this variant resulted in a classification of benign for this disease.

NM_003238.6(TGFB2):c.*969T>C

Gene: TGFB2 (transforming growth factor beta 2; plus strand). Cytogenetic location: 1q41.
Variant type: single nucleotide variant.
Coding change: c.*969T>C on transcript NM_003238.6 (MANE Select); 969 bases downstream of the stop codon, T replaced by C.
Molecular consequence: 3 prime UTR variant. On other transcripts: non-coding transcript variant (2).
Genome position (GRCh38, 1-based): chr1:218,442,331, T>C. VCF-style: chr1-218442331-T-C. GRCh37 (hg19) VCF-style: chr1-218615673-T-C.
Other names: c.*969T>C (NM_001135599.4).
Identifiers: ClinVar variation 874680 (VCV000874680.4), dbSNP rs187495965, ClinGen allele CA37626408.